The following is an entry in ClinVar:

NM_000051.4(ATM):c.3273G>A (p.Glu1091=)

Gene: ATM (ATM serine/threonine kinase; plus strand). Cytogenetic location: 11q22.3.
Variant type: single nucleotide variant.
Coding change: c.3273G>A on transcript NM_000051.4 (MANE Select); coding-DNA position 3273, G replaced by A.
Protein change: p.Glu1091=; no amino-acid change (glutamic acid 1091 retained).
Molecular consequence: synonymous variant.
Genome position (GRCh38, 1-based): chr11:108,272,841, G>A. VCF-style: chr11-108272841-G-A. GRCh37 (hg19) VCF-style: chr11-108143568-G-A.
Other names: c.3273G>A, p.Glu1091= (NM_001351834.2).
Identifiers: ClinVar variation 186923 (VCV000186923.21), dbSNP rs762860946, ClinGen allele CA196248.

ClinVar aggregate classification (germline): Benign/Likely benign. Review status: criteria provided, multiple submitters, no conflicts (2 of 4 stars). 6 submissions from 6 submitters: Benign (1); Likely benign (5). Last evaluated 2025-02-13.

Conditions:
Ataxia-telangiectasia syndrome (AT). Also called: Ataxia-telangiectasia, complementation group D; AT, COMPLEMENTATION GROUP C; ATAXIA-TELANGIECTASIA, COMPLEMENTATION GROUP A; ATAXIA-TELANGIECTASIA, FRESNO VARIANT; Ataxia-telangiectasia; LOUIS-BAR SYNDROME. Identifiers: Orphanet 100, MedGen C0004135, MONDO:0008840, OMIM 208900.
Hereditary cancer-predisposing syndrome. Also called: Hereditary Cancer Syndrome; Neoplastic Syndromes, Hereditary; Tumor predisposition; Hereditary neoplastic syndrome. Identifiers: Orphanet 140162, MedGen C0027672, MeSH D009386, MONDO:0015356.
Familial cancer of breast. Also called: BREAST CANCER, FAMILIAL; Hereditary breast cancer; hereditary breast carcinoma. Identifiers: Orphanet 227535, MedGen C0346153, MONDO:0016419, OMIM 114480. Disease mechanism: loss of function.

Allele frequency attached by ClinVar (database versions not stated): gnomAD exomes 0.00002.
gnomAD v4.1: 23 of 1,614,056 alleles (0.0014%); highest among the groups gnomAD compares: Non-Finnish European, 0.0019%; no homozygotes.

Submissions (6):

Labcorp Genetics (formerly Invitae), Labcorp
Classification: Likely benign for Ataxia-telangiectasia syndrome. Last evaluated: 2025-02-13. Review status: criteria provided, single submitter. Criteria: Invitae Variant Classification Sherloc (09022015). Collection method: clinical testing. Allele origin: germline.

Myriad Genetics, Inc.
Classification: Benign for Familial cancer of breast. Last evaluated: 2024-05-14. Review status: criteria provided, single submitter. Criteria: Myriad Autosomal Dominant, Autosomal Recessive and X-Linked Classification Criteria (2023). Collection method: clinical testing. Allele origin: unknown.
Comment: This variant is considered benign. This variant is a silent/synonymous amino acid change and it is not expected to impact splicing.

Color Diagnostics, LLC DBA Color Health
Classification: Likely benign for Hereditary cancer-predisposing syndrome. Last evaluated: 2022-05-17. Review status: criteria provided, single submitter. Criteria: ACMG Guidelines, 2015. Collection method: clinical testing. Allele origin: germline.

GeneDx
Classification: Likely benign. Last evaluated: 2018-11-14. Review status: criteria provided, single submitter. Criteria: GeneDx Variant Classification Process June 2021. Collection method: clinical testing. Allele origin: germline. Affected: yes.

PreventionGenetics, part of Exact Sciences
Classification: Likely benign. Last evaluated: 2017-06-08. Review status: criteria provided, single submitter. Criteria: ACMG Guidelines, 2015. Collection method: clinical testing. Allele origin: germline.

Ambry Genetics
Classification: Likely benign for Hereditary cancer-predisposing syndrome. Last evaluated: 2014-10-22. Review status: criteria provided, single submitter. Criteria: Ambry Variant Classification Scheme 2023. Collection method: clinical testing. Allele origin: germline.